The following is an entry in ClinVar:

NM_002608.4(PDGFB):c.703C>G (p.Leu235Val)

Gene: PDGFB (platelet derived growth factor subunit B; minus strand). Cytogenetic location: 22q13.1.
Variant type: single nucleotide variant.
Coding change: c.703C>G on transcript NM_002608.4 (MANE Select); coding-DNA position 703, C replaced by G.
Protein change: p.Leu235Val; replaces leucine 235 with valine.
Molecular consequence: missense variant.
Genome position (GRCh38, 1-based): chr22:39,225,746, G>C on the plus strand (C>G on the coding strand, the complement: PDGFB is on the minus strand). VCF-style: chr22-39225746-G-C. GRCh37 (hg19) VCF-style: chr22-39621751-G-C.
Other names: c.658C>G, p.Leu220Val (NM_033016.3); c.703C>G (NM_002608.2); short protein forms L220V, L235V.
Identifiers: ClinVar variation 1940702 (VCV001940702.6), dbSNP rs766113027, ClinGen allele CA10240008.

ClinVar aggregate classification (germline): Uncertain significance. Review status: criteria provided, multiple submitters, no conflicts (2 of 4 stars). 2 submissions from 2 submitters: Uncertain significance (2). Last evaluated 2024-03-18.

Conditions:
Inborn genetic diseases. Identifiers: MedGen C0950123, MeSH D030342.

Allele frequency attached by ClinVar (database versions not stated): gnomAD exomes 0.00001; ExAC 0.00002; gnomAD 0.00002; TOPMed 0.00002.
gnomAD v4.1: 24 of 1,614,008 alleles (0.0015%); highest among the groups gnomAD compares: African/African-American, 0.0027%; no homozygotes.

Submissions (2):

Ambry Genetics
Classification: Uncertain significance for Inborn genetic diseases. Last evaluated: 2024-03-18. Review status: criteria provided, single submitter. Criteria: Ambry Variant Classification Scheme 2023. Collection method: clinical testing. Allele origin: germline.

Labcorp Genetics (formerly Invitae), Labcorp
Classification: Uncertain significance. Last evaluated: 2022-05-07. Review status: criteria provided, single submitter. Criteria: Invitae Variant Classification Sherloc (09022015). Collection method: clinical testing. Allele origin: germline.
Comment: In summary, the available evidence is currently insufficient to determine the role of this variant in disease. Therefore, it has been classified as a Variant of Uncertain Significance. Algorithms developed to predict the effect of missense changes on protein structure and function are either unavailable or do not agree on the potential impact of this missense change (SIFT: "Not Available"; PolyPhen-2: "Probably Damaging"; Align-GVGD: "Not Available"). This variant has not been reported in the literature in individuals affected with PDGFB-related conditions. This variant is present in population databases (rs766113027, gnomAD 0.003%). This sequence change replaces leucine, which is neutral and non-polar, with valine, which is neutral and non-polar, at codon 235 of the PDGFB protein (p.Leu235Val).